The following is an entry in ClinVar:

ClinVar aggregate classification (germline): Conflicting classifications of pathogenicity. Review status: criteria provided, conflicting classifications (1 of 4 stars). 3 submissions from 3 submitters: Uncertain significance (1); Likely benign (2). Last evaluated 2026-01-05.

Conditions:
Emery-Dreifuss muscular dystrophy 5, autosomal dominant (EDMD5). Also called: EMERY-DREIFUSS MUSCULAR DYSTROPHY 5. Identifiers: Orphanet 261, MedGen C2751805, MONDO:0013072, OMIM 612999.

Allele frequency attached by ClinVar (database versions not stated): gnomAD exomes 0.00001 and 0.00004; ExAC 0.00002; TOPMed 0.00003; gnomAD 0.00005 and 0.00006; ESP Exome Variant Server 0.00008.
gnomAD v4.1: 69 of 1,614,044 alleles (0.0043%); highest among the groups gnomAD compares: Non-Finnish European, 0.0057%; no homozygotes.

Submissions (3):

Women's Health and Genetics/Laboratory Corporation of America, LabCorp
Classification: Likely benign. Last evaluated: 2026-01-05. Review status: criteria provided, single submitter. Criteria: LabCorp Variant Classification Summary - May 2015. Collection method: clinical testing. Allele origin: germline.

Illumina Laboratory Services, Illumina
Classification: Likely benign for Emery-Dreifuss muscular dystrophy 5, autosomal dominant. Last evaluated: 2018-01-13. Review status: criteria provided, single submitter. Criteria: ICSL Variant Classification Criteria 13 December 2019. Collection method: clinical testing. Allele origin: germline.
Comment: This variant was observed in the ICSL laboratory as part of a predisposition screen in an ostensibly healthy population. It had not been previously curated by ICSL or reported in the Human Gene Mutation Database (HGMD: prior to June 1st, 2018), and was therefore a candidate for classification through an automated scoring system. Utilizing variant allele frequency, disease prevalence and penetrance estimates, and inheritance mode, an automated score was calculated to assess if this variant is too frequent to cause the disease. Based on the score and internal cut-off values, a variant classified as likely benign is not then subjected to further curation. The score for this variant resulted in a classification of likely benign for this disease.

Eurofins Ntd Llc (ga)
Classification: Uncertain significance. Last evaluated: 2016-03-23. Review status: criteria provided, single submitter. Criteria: EGL Classification Definitions 2015. Collection method: clinical testing. Allele origin: germline. Observed: 1 variant allele, 1 heterozygote.

NM_182914.3(SYNE2):c.15234A>G (p.Gln5078=)

Gene: SYNE2 (spectrin repeat containing nuclear envelope protein 2; plus strand). Cytogenetic location: 14q23.2.
Variant type: single nucleotide variant.
Coding change: c.15234A>G on transcript NM_182914.3 (MANE Select); coding-DNA position 15234, A replaced by G.
Protein change: p.Gln5078=; no amino-acid change (glutamine 5078 retained).
Molecular consequence: synonymous variant.
Genome position (GRCh38, 1-based): chr14:64,142,016, A>G. VCF-style: chr14-64142016-A-G. GRCh37 (hg19) VCF-style: chr14-64608734-A-G.
Other names: c.15234A>G, p.Gln5078= (NM_015180.6).
Identifiers: ClinVar variation 286765 (VCV000286765.10), dbSNP rs139340468, ClinGen allele CA7223025.